The following is an entry in ClinVar:

NM_198241.3(EIF4G1):c.792G>A (p.Pro264=)

Gene: EIF4G1 (eukaryotic translation initiation factor 4 gamma 1; plus strand). Cytogenetic location: 3q27.1.
Variant type: single nucleotide variant.
Coding change: c.792G>A on transcript NM_198241.3 (MANE Select); coding-DNA position 792, G replaced by A.
Protein change: p.Pro264=; no amino-acid change (proline 264 retained).
Molecular consequence: synonymous variant.
Genome position (GRCh38, 1-based): chr3:184,321,376, G>A. VCF-style: chr3-184321376-G-A. GRCh37 (hg19) VCF-style: chr3-184039164-G-A.
Other names: c.813G>A, p.Pro271= (NM_001194946.2, NM_001194947.2); c.672G>A, p.Pro224= (NM_001291157.2); c.204G>A, p.Pro68= (NM_004953.5); c.792G>A, p.Pro264= (NM_182917.4); c.300G>A, p.Pro100= (NM_198242.3); c.531G>A, p.Pro177= (NM_198244.3).
Identifiers: ClinVar variation 4977382 (VCV004977382.1).

ClinVar aggregate classification (germline): Likely benign (1 of 4 stars; one submission).

Conditions:
EIF4G1-related disorder. Also called: EIF4G1-related condition.

gnomAD v4.1: 84 of 1,613,892 alleles (0.0052%); highest among the groups gnomAD compares: South Asian, 0.016%; no homozygotes.

Submission:

PreventionGenetics, part of Exact Sciences
Classification: Likely benign for EIF4G1-related condition. Last evaluated: 2026-07-06. Review status: criteria provided, single submitter. Criteria: ACMG Guidelines, 2015. Collection method: clinical testing. Allele origin: germline.
Comment: This variant is classified as likely benign based on ACMG/AMP sequence variant interpretation guidelines (Richards et al. 2015 PMID: 25741868, with internal and published modifications).